The following is an entry in ClinVar:

NM_001365276.2(TNXB):c.8867G>A (p.Gly2956Glu)

Gene: TNXB (tenascin XB; minus strand). Cytogenetic location: 6p21.33.
Variant type: single nucleotide variant.
Coding change: c.8867G>A on transcript NM_001365276.2 (MANE Select); coding-DNA position 8867, G replaced by A.
Protein change: p.Gly2956Glu; replaces glycine 2956 with glutamic acid.
Molecular consequence: missense variant.
Genome position (GRCh38, 1-based): chr6:32,052,918, C>T on the plus strand (G>A on the coding strand, the complement: TNXB is on the minus strand). VCF-style: chr6-32052918-C-T. GRCh37 (hg19) VCF-style: chr6-32020695-C-T.
Other names: c.8861G>A, p.Gly2954Glu (NM_019105.8); short protein forms G2956E, G2954E.
Identifiers: ClinVar variation 2451208 (VCV002451208.2), dbSNP rs1562797000, ClinGen allele CA363545611.

ClinVar aggregate classification (germline): Uncertain significance (1 of 4 stars; one submission).

Conditions:
Cardiovascular phenotype. Identifiers: MedGen CN230736.

Submission:

Ambry Genetics
Classification: Uncertain significance for Cardiovascular phenotype. Last evaluated: 2023-03-12. Review status: criteria provided, single submitter. Criteria: Ambry Variant Classification Scheme 2023. Collection method: clinical testing. Allele origin: germline.
Comment: The p.G2954E variant (also known as c.8861G>A), located in coding exon 25 of the TNXB gene, results from a G to A substitution at nucleotide position 8861. The glycine at codon 2954 is replaced by glutamic acid, an amino acid with similar properties. This amino acid position is conserved. In addition, this alteration is predicted to be tolerated by in silico analysis. Since supporting evidence is limited at this time, the clinical significance of this alteration remains unclear.